The following is an entry in ClinVar:

ClinVar aggregate classification (germline): Uncertain significance. Review status: criteria provided, multiple submitters, no conflicts (2 of 4 stars). 2 submissions from 2 submitters: Uncertain significance (2). Last evaluated 2025-08-24.

Conditions:
Cardiovascular phenotype. Identifiers: MedGen CN230736.
Long QT syndrome (LQTS). Identifiers: MedGen C0023976, MeSH D008133, MONDO:0002442. Disease mechanism: loss of function. Inheritance: Various modes of inheritance.

gnomAD v4.1: 1 of 1,613,866 alleles (0.000062%); highest among the groups gnomAD compares: Non-Finnish European, 0.000085%; no homozygotes.

Submissions (2):

Labcorp Genetics (formerly Invitae), Labcorp
Classification: Uncertain significance for Long QT syndrome. Last evaluated: 2025-08-24. Review status: criteria provided, single submitter. Criteria: Invitae Variant Classification Sherloc (09022015). Collection method: clinical testing. Allele origin: germline.
Comment: This sequence change replaces glycine, which is neutral and non-polar, with alanine, which is neutral and non-polar, at codon 685 of the ANK2 protein (p.Gly685Ala). This variant is not present in population databases (gnomAD no frequency). This variant has not been reported in the literature in individuals affected with ANK2-related conditions. ClinVar contains an entry for this variant (Variation ID: 1433457). Invitae Evidence Modeling of protein sequence and biophysical properties (such as structural, functional, and spatial information, amino acid conservation, physicochemical variation, residue mobility, and thermodynamic stability) has been performed for this missense variant. However, the output from this modeling did not meet the statistical confidence thresholds required to predict the impact of this variant on ANK2 protein function. In summary, the available evidence is currently insufficient to determine the role of this variant in disease. Therefore, it has been classified as a Variant of Uncertain Significance.

Ambry Genetics
Classification: Uncertain significance for Cardiovascular phenotype. Last evaluated: 2023-03-13. Review status: criteria provided, single submitter. Criteria: Ambry Variant Classification Scheme 2023. Collection method: clinical testing. Allele origin: germline.
Comment: The p.G685A variant (also known as c.2054G>C), located in coding exon 18 of the ANK2 gene, results from a G to C substitution at nucleotide position 2054. The glycine at codon 685 is replaced by alanine, an amino acid with similar properties. This amino acid position is well conserved in available vertebrate species. In addition, the in silico prediction for this alteration is inconclusive. Since supporting evidence is limited at this time, the clinical significance of this alteration remains unclear.

NM_001148.6(ANK2):c.2054G>C (p.Gly685Ala)

Gene: ANK2 (ankyrin 2; plus strand). Cytogenetic location: 4q26.
Variant type: single nucleotide variant.
Coding change: c.2054G>C on transcript NM_001148.6 (MANE Select); coding-DNA position 2054, G replaced by C.
Protein change: p.Gly685Ala; replaces glycine 685 with alanine.
Molecular consequence: missense variant.
Genome position (GRCh38, 1-based): chr4:113,282,847, G>C. VCF-style: chr4-113282847-G-C. GRCh37 (hg19) VCF-style: chr4-114204003-G-C.
Other names: c.1991G>C, p.Gly664Ala (NM_001127493.3, NM_001354239.2, NM_001354243.2 and 10 more transcripts); c.2054G>C, p.Gly685Ala (NM_001354225.2, NM_001354228.2, NM_001354232.2 and 6 more transcripts); c.2099G>C, p.Gly700Ala (NM_001354230.2, NM_001354231.2, NM_001354237.2 and 5 more transcripts); c.1955G>C, p.Gly652Ala (NM_001354245.2, NM_001354268.2); c.1967G>C, p.Gly656Ala (NM_001354249.2, NM_001354264.2, NM_001354266.2 and 10 more transcripts); c.1892G>C, p.Gly631Ala (NM_001354253.2, NM_001354257.2, NM_001354270.2 and 1 more transcripts); c.1868G>C, p.Gly623Ala (NM_001354260.2, NM_001354271.2, NM_001386151.1); c.2012G>C, p.Gly671Ala (NM_001354261.2, NM_001386147.1, NM_001386160.1); and 8 more; short protein forms G656A, G557A, G619A, G664A, G702A, G590A, G615A, G652A.
Identifiers: ClinVar variation 1433457 (VCV001433457.10), dbSNP rs1200160910, ClinGen allele CA357914368.